The following is an entry in ClinVar:

NM_201384.3(PLEC):c.6427G>A (p.Glu2143Lys)

Gene: PLEC (plectin; minus strand). Cytogenetic location: 8q24.3.
Variant type: single nucleotide variant.
Coding change: c.6427G>A on transcript NM_201384.3 (MANE Select); coding-DNA position 6427, G replaced by A.
Protein change: p.Glu2143Lys; replaces glutamic acid 2143 with lysine.
Molecular consequence: missense variant.
Genome position (GRCh38, 1-based): chr8:143,923,502, C>T on the plus strand (G>A on the coding strand, the complement: PLEC is on the minus strand). VCF-style: chr8-143923502-C-T. GRCh37 (hg19) VCF-style: chr8-144997670-C-T.
Other names: c.6508G>A, p.Glu2170Lys (NM_000445.5); c.6385G>A, p.Glu2129Lys (NM_201378.4); c.6361G>A, p.Glu2121Lys (NM_201379.3); c.6838G>A, p.Glu2280Lys (NM_201380.4); c.6331G>A, p.Glu2111Lys (NM_201381.3); c.6427G>A, p.Glu2143Lys (NM_201382.4); c.6439G>A, p.Glu2147Lys (NM_201383.3); c.6508G>A (NM_000445.4); short protein forms E2111K, E2121K, E2129K, E2143K, E2147K, E2170K, E2280K.
Identifiers: ClinVar variation 1003332 (VCV001003332.13), dbSNP rs782305250, ClinGen allele CA4925998.

ClinVar aggregate classification (germline): Conflicting classifications of pathogenicity. Review status: criteria provided, conflicting classifications (1 of 4 stars). 5 submissions from 5 submitters: Uncertain significance (3); Likely benign (1). 1 of the submissions does not count toward it. Last evaluated 2025-12-29.

Conditions:
PLEC-related disorder. Also called: PLEC-related disorders; PLEC-related condition.
Autosomal recessive limb-girdle muscular dystrophy type 2Q (LGMDR17). Also called: MUSCULAR DYSTROPHY, LIMB-GIRDLE, AUTOSOMAL RECESSIVE 17. Identifiers: Orphanet 254361, MedGen C3150989, MONDO:0013390, OMIM 613723.
Epidermolysis bullosa simplex with nail dystrophy (EBS5D). Identifiers: MedGen C4225309, MONDO:0014661, OMIM 616487.
Epidermolysis bullosa simplex, Ogna type (EBS5A). Also called: Pidermolysis bullosa simplex 5A, Ogna type; EPIDERMOLYSIS BULLOSA SIMPLEX 5A, OGNA TYPE. Identifiers: Orphanet 79401, MedGen C0432317, MONDO:0007555, OMIM 131950.
Epidermolysis bullosa simplex 5B, with muscular dystrophy (EBS5B). Also called: EPIDERMOLYSIS BULLOSA SIMPLEX AND LIMB-GIRDLE MUSCULAR DYSTROPHY; Epidermolysis bullosa simplex with muscular dystrophy. Identifiers: Orphanet 257, MedGen C2931072, MONDO:0009181, OMIM 226670.
Epidermolysis bullosa simplex 5C, with pyloric atresia (EBS5C). Also called: PLEC-Related Epidermolysis Bullosa with Pyloric Atresia; Epidermolysis bullosa simplex with pyloric atresia; PLEC1-Related Epidermolysis Bullosa with Pyloric Atresia. Identifiers: Orphanet 158684, MedGen C2677349, MONDO:0012807, OMIM 612138.
Inborn genetic diseases. Identifiers: MedGen C0950123, MeSH D030342.

Allele frequency attached by ClinVar (database versions not stated): gnomAD 0.00004 and 0.00005; TOPMed 0.00007; gnomAD exomes 0.00004; ExAC 0.00004.
gnomAD v4.1: 60 of 1,598,322 alleles (0.0038%); highest among the groups gnomAD compares: African/African-American, 0.0054%; no homozygotes.

Submissions (5):

Labcorp Genetics (formerly Invitae), Labcorp
Classification: Uncertain significance for Autosomal recessive limb-girdle muscular dystrophy type 2Q; Epidermolysis bullosa simplex, Ogna type; Epidermolysis bullosa simplex with nail dystrophy; Epidermolysis bullosa simplex 5C, with pyloric atresia; Epidermolysis bullosa simplex 5B, with muscular dystrophy. Last evaluated: 2025-12-29. Review status: criteria provided, single submitter. Criteria: Invitae Variant Classification Sherloc (09022015). Collection method: clinical testing. Allele origin: germline.
Comment: This sequence change replaces glutamic acid, which is acidic and polar, with lysine, which is basic and polar, at codon 2170 of the PLEC protein (p.Glu2170Lys). This variant is present in population databases (rs782305250, gnomAD 0.005%). This variant has not been reported in the literature in individuals affected with PLEC-related conditions. ClinVar contains an entry for this variant (Variation ID: 1003332). An algorithm developed to predict the effect of missense changes on protein structure and function (PolyPhen-2) suggests that this variant is likely to be tolerated. In summary, the available evidence is currently insufficient to determine the role of this variant in disease. Therefore, it has been classified as a Variant of Uncertain Significance.

Ambry Genetics
Classification: Uncertain significance for Inborn genetic diseases. Last evaluated: 2024-09-20. Review status: criteria provided, single submitter. Criteria: Ambry Variant Classification Scheme 2023. Collection method: clinical testing. Allele origin: germline.

Revvity Omics, Revvity
Classification: Uncertain significance. Last evaluated: 2019-10-30. Review status: criteria provided, single submitter. Criteria: ACMG Guidelines, 2015. Collection method: clinical testing. Allele origin: germline.

GeneDx
Classification: Likely benign. Last evaluated: 2018-11-14. Review status: criteria provided, single submitter. Criteria: GeneDx Variant Classification Process June 2021. Collection method: clinical testing. Allele origin: germline. Affected: yes.

PreventionGenetics, part of Exact Sciences
Classification: Uncertain significance for PLEC-related condition. Last evaluated: 2023-12-06. Review status: no assertion criteria provided. Collection method: clinical testing. Allele origin: germline. Not counted in ClinVar's aggregate classification.
Comment: The PLEC c.6508G>A variant is predicted to result in the amino acid substitution p.Glu2170Lys. To our knowledge, this variant has not been reported in the literature. This variant is reported in 0.0092% of alleles in individuals of African descent in gnomAD. At this time, the clinical significance of this variant is uncertain due to the absence of conclusive functional and genetic evidence.